The following is an entry in ClinVar:

NM_001379286.1(ZNF423):c.1232G>A (p.Gly411Asp)

Gene: ZNF423 (zinc finger protein 423; minus strand). Cytogenetic location: 16q12.1.
Variant type: single nucleotide variant.
Coding change: c.1232G>A on transcript NM_001379286.1 (MANE Select); coding-DNA position 1232, G replaced by A.
Protein change: p.Gly411Asp; replaces glycine 411 with aspartic acid.
Molecular consequence: missense variant.
Genome position (GRCh38, 1-based): chr16:49,637,944, C>T on the plus strand (G>A on the coding strand, the complement: ZNF423 is on the minus strand). VCF-style: chr16-49637944-C-T. GRCh37 (hg19) VCF-style: chr16-49671855-C-T.
Other names: c.1028G>A, p.Gly343Asp (NM_001271620.2); c.857G>A, p.Gly286Asp (NM_001330533.2); c.1208G>A, p.Gly403Asp (NM_015069.5); short protein forms G411D, G286D, G403D, G343D.
Identifiers: ClinVar variation 2010162 (VCV002010162.4), dbSNP rs751726178, ClinGen allele CA395850049.
Genomic context (GRCh38, chr16:49,637,944, plus strand): 5'-GCCAGGCTGTTAAAGTCCCGCTTGGAACAATAGGGGCAGCTATAGACCACCTTGGTCCAG[C>T]CCTGCCCGTCATCCCGCATCTTCTTCTGCCCCCGCAGCGGCTTCAAGGTGGAGTCCGGGG-3'
Protein context (NP_001366215.1, residues 401-421): GQKKMRDDGQ[Gly411Asp]WTKVVYSCPY

ClinVar aggregate classification (germline): Uncertain significance (1 of 4 stars; one submission).

Conditions:
Nephronophthisis 14 (NPHP14). Identifiers: Orphanet 2318, MedGen C3539071, MONDO:0013916, OMIM 614844.

Allele frequency attached by ClinVar (database versions not stated): gnomAD 0.00001.
gnomAD v4.1: 1 of 1,614,000 alleles (0.000062%); highest among the groups gnomAD compares: African/African-American, 0.0013%; no homozygotes.

Submission:

Labcorp Genetics (formerly Invitae), Labcorp
Classification: Uncertain significance for Nephronophthisis 14. Last evaluated: 2022-06-24. Review status: criteria provided, single submitter. Criteria: Invitae Variant Classification Sherloc (09022015). Collection method: clinical testing. Allele origin: germline.
Comment: This sequence change replaces glycine, which is neutral and non-polar, with aspartic acid, which is acidic and polar, at codon 403 of the ZNF423 protein (p.Gly403Asp). This variant is present in population databases (no rsID available, gnomAD 0.01%). In summary, the available evidence is currently insufficient to determine the role of this variant in disease. Therefore, it has been classified as a Variant of Uncertain Significance. Algorithms developed to predict the effect of missense changes on protein structure and function (SIFT, PolyPhen-2, Align-GVGD) all suggest that this variant is likely to be tolerated. This variant has not been reported in the literature in individuals affected with ZNF423-related conditions.